The following is an entry in ClinVar:

ClinVar aggregate classification (germline): Uncertain significance (1 of 4 stars; one submission).

Submission:

Labcorp Genetics (formerly Invitae), Labcorp
Classification: Uncertain significance. Last evaluated: 2022-08-12. Review status: criteria provided, single submitter. Criteria: Invitae Variant Classification Sherloc (09022015). Collection method: clinical testing. Allele origin: germline.
Comment: In summary, the available evidence is currently insufficient to determine the role of this variant in disease. Therefore, it has been classified as a Variant of Uncertain Significance. Advanced modeling of protein sequence and biophysical properties (such as structural, functional, and spatial information, amino acid conservation, physicochemical variation, residue mobility, and thermodynamic stability) performed at Invitae indicates that this missense variant is not expected to disrupt TAF1 protein function. This variant has not been reported in the literature in individuals affected with TAF1-related conditions. This variant is not present in population databases (gnomAD no frequency). This sequence change replaces proline, which is neutral and non-polar, with alanine, which is neutral and non-polar, at codon 3 of the TAF1 protein (p.Pro3Ala).

NC_000023.11:g.71366321C>G

Gene: TAF1 (TATA-box binding protein associated factor 1; plus strand). Cytogenetic location: Xq13.1.
Variant type: single nucleotide variant.
Genome position: GRCh38 VCF-style: chrX-71366321-C-G. GRCh37 (hg19) VCF-style: chrX-70586171-C-G.
Identifiers: ClinVar variation 1715587 (VCV001715587.6), dbSNP rs2519960616, ClinGen allele CA413502177.